The following is an entry in ClinVar:

ClinVar aggregate classification (germline): Uncertain significance (1 of 4 stars; one submission).

Allele frequency attached by ClinVar (database versions not stated): gnomAD exomes 0.00001.

Submission:

Labcorp Genetics (formerly Invitae), Labcorp
Classification: Uncertain significance. Last evaluated: 2024-11-29. Review status: criteria provided, single submitter. Criteria: Invitae Variant Classification Sherloc (09022015). Collection method: clinical testing. Allele origin: germline.
Comment: This sequence change replaces methionine, which is neutral and non-polar, with lysine, which is basic and polar, at codon 133 of the DSG1 protein (p.Met133Lys). This variant is not present in population databases (gnomAD no frequency). This variant has not been reported in the literature in individuals affected with DSG1-related conditions. ClinVar contains an entry for this variant (Variation ID: 1930412). Invitae Evidence Modeling of protein sequence and biophysical properties (such as structural, functional, and spatial information, amino acid conservation, physicochemical variation, residue mobility, and thermodynamic stability) indicates that this missense variant is not expected to disrupt DSG1 protein function with a negative predictive value of 80%. In summary, the available evidence is currently insufficient to determine the role of this variant in disease. Therefore, it has been classified as a Variant of Uncertain Significance.

NM_001942.4(DSG1):c.398T>A (p.Met133Lys)

Gene: DSG1 (desmoglein 1; plus strand). Cytogenetic location: 18q12.1.
Variant type: single nucleotide variant.
Coding change: c.398T>A on transcript NM_001942.4 (MANE Select); coding-DNA position 398, T replaced by A.
Protein change: p.Met133Lys; replaces methionine 133 with lysine.
Molecular consequence: missense variant.
Genome position (GRCh38, 1-based): chr18:31,329,917, T>A. VCF-style: chr18-31329917-T-A. GRCh37 (hg19) VCF-style: chr18-28909880-T-A.
Other names: short protein forms M133K.
Identifiers: ClinVar variation 1930412 (VCV001930412.5), dbSNP rs748381287, ClinGen allele CA402128504.
Genomic context (GRCh38, chr18:31,329,917, plus strand): 5'-TTTCACTGTATAATTATTTATCTTTTCTCTCCCAGATCTACTGCCGAGCTCTGAACTCAA[T>A]GGGCCAAGATTTAGAGAGGCCTCTAGAGCTCAGAGTCAGGGTTTTGGATATAAATGACAA-3'
Protein context (NP_001933.2, residues 123-143): FIIYCRALNS[Met133Lys]GQDLERPLEL